The following is an entry in ClinVar:

ClinVar aggregate classification (germline): Likely benign (1 of 4 stars; one submission).

Conditions:
Ataxia-telangiectasia syndrome (AT). Also called: Ataxia telangiectasia (A-T); Cerebello-oculocutaneous telangiectasia; Immunodeficiency with ataxia telangiectasia; LOUIS-BAR SYNDROME; AT, COMPLEMENTATION GROUP C; ATAXIA-TELANGIECTASIA, FRESNO VARIANT. Identifiers: Orphanet 100, MedGen C0004135, MONDO:0008840, OMIM 208900.

Allele frequency attached by ClinVar (database versions not stated): gnomAD 0.00032 and 0.00017; 1000 Genomes Project 30x 0.00265; 1000 Genomes Project 0.00319; gnomAD exomes 0.00060; TOPMed 0.00029.
gnomAD v4.1: 79 of 208,464 alleles (0.038%); highest among the groups gnomAD compares: East Asian, 0.55%; no homozygotes.

Submission:

Illumina Laboratory Services, Illumina
Classification: Likely benign for Ataxia-telangiectasia syndrome. Last evaluated: 2018-01-12. Review status: criteria provided, single submitter. Criteria: ICSL Variant Classification Criteria 13 December 2019. Collection method: clinical testing. Allele origin: germline.
Comment: This variant was observed in the ICSL laboratory as part of a predisposition screen in an ostensibly healthy population. It had not been previously curated by ICSL or reported in the Human Gene Mutation Database (HGMD: prior to June 1st, 2018), and was therefore a candidate for classification through an automated scoring system. Utilizing variant allele frequency, disease prevalence and penetrance estimates, and inheritance mode, an automated score was calculated to assess if this variant is too frequent to cause the disease. Based on the score and internal cut-off values, a variant classified as likely benign is not then subjected to further curation. The score for this variant resulted in a classification of likely benign for this disease.

NM_000051.4(ATM):c.*2563C>T

Genes: ATM (ATM serine/threonine kinase; plus strand), C11orf65 (chromosome 11 open reading frame 65; minus strand). Cytogenetic location: 11q22.3.
Variant type: single nucleotide variant.
Coding change: c.*2563C>T on transcript NM_000051.4 (MANE Select); 2563 bases downstream of the stop codon, C replaced by T.
Molecular consequence: 3 prime UTR variant. On other transcripts: intron variant (2).
Genome position (GRCh38, 1-based): chr11:108,368,071, C>T. VCF-style: chr11-108368071-C-T. GRCh37 (hg19) VCF-style: chr11-108238798-C-T.
Other names: c.*2563C>T (NM_001351834.2); c.640+17849G>A (NM_001330368.2); c.694+17849G>A (NM_001351110.2).
Identifiers: ClinVar variation 302283 (VCV000302283.7), dbSNP rs146547907, ClinGen allele CA10637016.
Genomic context (GRCh38, chr11:108,368,071, plus strand): 5'-AATTCTTGCTAGTTGTTGCATCCAGAGAGCTTTGAATAACATCATTAATCTACTCTTTAG[C>T]CTTGCATGGTATGCTATGAGGCTCCTGTTCTGTTCAAGTATTCTAATCAATGGCTTTGAA-3'